The following is an entry in ClinVar:

ClinVar aggregate classification (germline): Uncertain significance (1 of 4 stars; one submission).

Conditions:
Neutral lipid storage myopathy (NLSDM). Also called: NEUTRAL LIPID STORAGE DISEASE WITHOUT ICHTHYOSIS. Identifiers: Orphanet 98908, MedGen C1853136, MONDO:0012545, OMIM 610717.

Submission:

Labcorp Genetics (formerly Invitae), Labcorp
Classification: Uncertain significance for Neutral lipid storage myopathy. Last evaluated: 2022-07-01. Review status: criteria provided, single submitter. Criteria: Invitae Variant Classification Sherloc (09022015). Collection method: clinical testing. Allele origin: germline.
Comment: In summary, the available evidence is currently insufficient to determine the role of this variant in disease. Therefore, it has been classified as a Variant of Uncertain Significance. Algorithms developed to predict the effect of missense changes on protein structure and function (SIFT, PolyPhen-2, Align-GVGD) all suggest that this variant is likely to be tolerated. This variant has not been reported in the literature in individuals affected with PNPLA2-related conditions. This variant is not present in population databases (gnomAD no frequency). This sequence change replaces valine, which is neutral and non-polar, with methionine, which is neutral and non-polar, at codon 452 of the PNPLA2 protein (p.Val452Met).

NM_020376.4(PNPLA2):c.1354G>A (p.Val452Met)

Gene: PNPLA2 (patatin like domain 2, triacylglycerol lipase; plus strand). Cytogenetic location: 11p15.5.
Variant type: single nucleotide variant.
Coding change: c.1354G>A on transcript NM_020376.4 (MANE Select); coding-DNA position 1354, G replaced by A.
Protein change: p.Val452Met; replaces valine 452 with methionine.
Molecular consequence: missense variant.
Genome position (GRCh38, 1-based): chr11:824,701, G>A. VCF-style: chr11-824701-G-A. GRCh37 (hg19) VCF-style: chr11-824701-G-A.
Other names: short protein forms V452M.
Identifiers: ClinVar variation 1952526 (VCV001952526.3), dbSNP rs1565091530, ClinGen allele CA378985229.